The following is an entry in ClinVar:

NM_001378615.1(CC2D2A):c.3704G>A (p.Gly1235Asp)

Genes: CC2D2A (coiled-coil and C2 domain containing 2A; plus strand), FBXL5 (F-box and leucine rich repeat protein 5; minus strand). Cytogenetic location: 4p15.32.
Variant type: single nucleotide variant.
Coding change: c.3704G>A on transcript NM_001378615.1 (MANE Select); coding-DNA position 3704, G replaced by A.
Protein change: p.Gly1235Asp; replaces glycine 1235 with aspartic acid.
Molecular consequence: missense variant.
Genome position (GRCh38, 1-based): chr4:15,574,259, G>A. VCF-style: chr4-15574259-G-A. GRCh37 (hg19) VCF-style: chr4-15575882-G-A.
Other names: c.3704G>A, p.Gly1235Asp (NM_001080522.2); c.3557G>A, p.Gly1186Asp (NM_001378617.1); short protein forms G1186D, G1235D.
Identifiers: ClinVar variation 4998519 (VCV004998519.1).

ClinVar aggregate classification (germline): Uncertain significance (1 of 4 stars; one submission).

Conditions:
CC2D2A-related disorder. Also called: CC2D2A-related condition; CC2D2A-related disorders. Identifiers: MedGen CN239313.

Submission:

PreventionGenetics, part of Exact Sciences
Classification: Uncertain significance for CC2D2A-related condition. Last evaluated: 2025-06-25. Review status: criteria provided, single submitter. Criteria: ACMG Guidelines, 2015. Collection method: clinical testing. Allele origin: germline.
Comment: The CC2D2A c.3704G>A variant is predicted to result in the amino acid substitution p.Gly1235Asp. To our knowledge, this variant has not been reported in the literature or in a large population database (gnomAD), indicating this variant is rare. At this time, the clinical significance of this variant is uncertain due to the absence of conclusive functional and genetic evidence.